The following is an entry in ClinVar:

ClinVar aggregate classification (germline): Uncertain significance (1 of 4 stars; one submission).

Conditions:
Amyotrophic lateral sclerosis type 4 (ALS4). Also called: AMYOTROPHIC LATERAL SCLEROSIS 4, JUVENILE; NEURONOPATHY, DISTAL HEREDITARY MOTOR, WITH PYRAMIDAL FEATURES. Identifiers: Orphanet 357043, MedGen C1865409, MONDO:0011223, OMIM 602433.
Spinocerebellar ataxia, autosomal recessive, with axonal neuropathy 2 (SCAN2). Also called: Ataxia with Oculomotor Apraxia; ATAXIA-OCULOMOTOR APRAXIA 2; Ataxia-ocular apraxia-2; Ataxia with Oculomotor Apraxia Type 2. Identifiers: Orphanet 64753, MedGen C1853761, MONDO:0018996, OMIM 606002.

Allele frequency attached by ClinVar (database versions not stated): TOPMed below 0.00001.

Submission:

Labcorp Genetics (formerly Invitae), Labcorp
Classification: Uncertain significance for Amyotrophic lateral sclerosis type 4; Spinocerebellar ataxia, autosomal recessive, with axonal neuropathy 2. Last evaluated: 2024-11-03. Review status: criteria provided, single submitter. Criteria: Invitae Variant Classification Sherloc (09022015). Collection method: clinical testing. Allele origin: germline.
Comment: This sequence change replaces alanine, which is neutral and non-polar, with threonine, which is neutral and polar, at codon 599 of the SETX protein (p.Ala599Thr). This variant is not present in population databases (gnomAD no frequency). This variant has not been reported in the literature in individuals affected with SETX-related conditions. ClinVar contains an entry for this variant (Variation ID: 2943539). Invitae Evidence Modeling of protein sequence and biophysical properties (such as structural, functional, and spatial information, amino acid conservation, physicochemical variation, residue mobility, and thermodynamic stability) indicates that this missense variant is not expected to disrupt SETX protein function with a negative predictive value of 95%. In summary, the available evidence is currently insufficient to determine the role of this variant in disease. Therefore, it has been classified as a Variant of Uncertain Significance.

NM_015046.7(SETX):c.1795G>A (p.Ala599Thr)

Gene: SETX (senataxin; minus strand). Cytogenetic location: 9q34.13.
Variant type: single nucleotide variant.
Coding change: c.1795G>A on transcript NM_015046.7 (MANE Select); coding-DNA position 1795, G replaced by A.
Protein change: p.Ala599Thr; replaces alanine 599 with threonine.
Molecular consequence: missense variant.
Genome position (GRCh38, 1-based): chr9:132,329,803, C>T on the plus strand (G>A on the coding strand, the complement: SETX is on the minus strand). VCF-style: chr9-132329803-C-T. GRCh37 (hg19) VCF-style: chr9-135205190-C-T.
Other names: c.1795G>A, p.Ala599Thr (NM_001351527.2, NM_001351528.2); short protein forms A599T.
Identifiers: ClinVar variation 2943539 (VCV002943539.3), dbSNP rs1847106842, ClinGen allele CA375338702.